The following is an entry in ClinVar:

ClinVar aggregate classification (germline): Uncertain significance (1 of 4 stars; one submission).

Conditions:
Hereditary cancer-predisposing syndrome. Also called: Neoplastic Syndromes, Hereditary; Tumor predisposition; Hereditary neoplastic syndrome; Hereditary Cancer Syndrome. Identifiers: Orphanet 140162, MedGen C0027672, MeSH D009386, MONDO:0015356.

Submission:

Ambry Genetics
Classification: Uncertain significance for Hereditary cancer-predisposing syndrome. Last evaluated: 2023-02-02. Review status: criteria provided, single submitter. Criteria: Ambry Variant Classification Scheme 2023. Collection method: clinical testing. Allele origin: germline.
Comment: The p.D37Y variant (also known as c.109G>T), located in coding exon 2 of the SDHD gene, results from a G to T substitution at nucleotide position 109. The aspartic acid at codon 37 is replaced by tyrosine, an amino acid with highly dissimilar properties. This amino acid position is well conserved in available vertebrate species. In addition, this alteration is predicted to be deleterious by in silico analysis. Since supporting evidence is limited at this time, the clinical significance of this alteration remains unclear.

NM_003002.4(SDHD):c.109G>T (p.Asp37Tyr)

Gene: SDHD (succinate dehydrogenase complex subunit D; plus strand). Cytogenetic location: 11q23.1.
Variant type: single nucleotide variant.
Coding change: c.109G>T on transcript NM_003002.4 (MANE Select); coding-DNA position 109, G replaced by T.
Protein change: p.Asp37Tyr; replaces aspartic acid 37 with tyrosine.
Molecular consequence: missense variant. On other transcripts: non-coding transcript variant (1), intron variant (1).
Genome position (GRCh38, 1-based): chr11:112,087,913, G>T. VCF-style: chr11-112087913-G-T. GRCh37 (hg19) VCF-style: chr11-111958637-G-T.
Other names: c.109G>T, p.Asp37Tyr (NM_001276503.2, NM_001276506.2); c.52+954G>T (NM_001276504.2); short protein forms D37Y.
Identifiers: ClinVar variation 2452940 (VCV002452940.2), dbSNP rs1865654125, ClinGen allele CA382617010.